The following is an entry in ClinVar:

ClinVar aggregate classification (germline): Uncertain significance. Review status: criteria provided, single submitter (1 of 4 stars). 2 submissions from 2 submitters: Uncertain significance (1). 1 of the submissions does not count toward it. Last evaluated 2021-06-28.

Conditions:
Spondylocostal dysostosis 2, autosomal recessive (SCDO2). Also called: MESP2-Related Spondylocostal Dysostosis, Autosomal Recessive; Spondylocostal dysostosis type 2. Identifiers: Orphanet 2311, MedGen C1837549, MONDO:0012097, OMIM 608681.

gnomAD v4.1: 1 of 1,524,246 alleles (0.000066%); highest among the groups gnomAD compares: Admixed American, 0.002%; no homozygotes.

Submissions (2):

Labcorp Genetics (formerly Invitae), Labcorp
Classification: Uncertain significance. Last evaluated: 2021-06-28. Review status: criteria provided, single submitter. Criteria: Invitae Variant Classification Sherloc (09022015). Collection method: clinical testing. Allele origin: germline.
Comment: In summary, the available evidence is currently insufficient to determine the role of this variant in disease. Therefore, it has been classified as a Variant of Uncertain Significance. Algorithms developed to predict the effect of missense changes on protein structure and function are either unavailable or do not agree on the potential impact of this missense change (SIFT: "Deleterious"; PolyPhen-2: "Probably Damaging"; Align-GVGD: "Class C0"). ClinVar contains an entry for this variant (Variation ID: 990314). This variant has not been reported in the literature in individuals affected with MESP2-related conditions. The frequency data for this variant in the population databases is considered unreliable, as metrics indicate insufficient coverage at this position in the ExAC database. This sequence change replaces arginine with proline at codon 93 of the MESP2 protein (p.Arg93Pro). The arginine residue is moderately conserved and there is a moderate physicochemical difference between arginine and proline.

Natera, Inc.
Classification: Uncertain significance for Spondylocostal dysostosis type 2. Last evaluated: 2020-04-24. Review status: no assertion criteria provided. Collection method: clinical testing. Allele origin: germline. Not counted in ClinVar's aggregate classification.

NM_001039958.2(MESP2):c.278G>C (p.Arg93Pro)

Genes: MESP2 (mesoderm posterior bHLH transcription factor 2; plus strand), LOC130057891 (ATAC-STARR-seq lymphoblastoid silent region 6806; plus strand). Cytogenetic location: 15q26.1.
Variant type: single nucleotide variant.
Coding change: c.278G>C on transcript NM_001039958.2 (MANE Select); coding-DNA position 278, G replaced by C.
Protein change: p.Arg93Pro; replaces arginine 93 with proline.
Molecular consequence: missense variant.
Genome position (GRCh38, 1-based): chr15:89,776,635, G>C. VCF-style: chr15-89776635-G-C. GRCh37 (hg19) VCF-style: chr15-90319866-G-C.
Other names: short protein forms R93P.
Identifiers: ClinVar variation 990314 (VCV000990314.9), dbSNP rs1968366878, ClinGen allele CA393769487.